The following is an entry in ClinVar:

ClinVar aggregate classification (germline): Uncertain significance. Review status: criteria provided, multiple submitters, no conflicts (2 of 4 stars). 2 submissions from 2 submitters: Uncertain significance (2). Last evaluated 2026-01-21.

Conditions:
Cardiovascular phenotype. Identifiers: MedGen CN230736.
Hypertrophic cardiomyopathy 12. Identifiers: MedGen C2677491, MONDO:0012804, OMIM 612124.
Dilated cardiomyopathy 1M (CMD1M). Identifiers: Orphanet 154, MedGen C1843808, MONDO:0011840, OMIM 607482.

Allele frequency attached by ClinVar (database versions not stated): gnomAD exomes below 0.00001; TOPMed below 0.00001.
gnomAD v4.1: 1 of 1,614,192 alleles (0.000062%); highest among the groups gnomAD compares: African/African-American, 0.0013%; no homozygotes.

Submissions (2):

Labcorp Genetics (formerly Invitae), Labcorp
Classification: Uncertain significance for Hypertrophic cardiomyopathy 12; Dilated cardiomyopathy 1M. Last evaluated: 2026-01-21. Review status: criteria provided, single submitter. Criteria: Invitae Variant Classification Sherloc (09022015). Collection method: clinical testing. Allele origin: germline.
Comment: This sequence change replaces glycine, which is neutral and non-polar, with arginine, which is basic and polar, at codon 135 of the CSRP3 protein (p.Gly135Arg). This variant is not present in population databases (gnomAD no frequency). This variant has not been reported in the literature in individuals affected with CSRP3-related conditions. ClinVar contains an entry for this variant (Variation ID: 1438074). An algorithm developed to predict the effect of missense changes on protein structure and function (PolyPhen-2) suggests that this variant is likely to be disruptive. In summary, the available evidence is currently insufficient to determine the role of this variant in disease. Therefore, it has been classified as a Variant of Uncertain Significance.

Ambry Genetics
Classification: Uncertain significance for Cardiovascular phenotype. Last evaluated: 2023-01-14. Review status: criteria provided, single submitter. Criteria: Ambry Variant Classification Scheme 2023. Collection method: clinical testing. Allele origin: germline.
Comment: The p.G135R variant (also known as c.403G>A), located in coding exon 3 of the CSRP3 gene, results from a G to A substitution at nucleotide position 403. The glycine at codon 135 is replaced by arginine, an amino acid with dissimilar properties. This amino acid position is conserved. In addition, this alteration is predicted to be deleterious by in silico analysis. Since supporting evidence is limited at this time, the clinical significance of this alteration remains unclear.

NM_003476.5(CSRP3):c.403G>A (p.Gly135Arg)

Gene: CSRP3 (cysteine and glycine rich protein 3; minus strand). Cytogenetic location: 11p15.1.
Variant type: single nucleotide variant.
Coding change: c.403G>A on transcript NM_003476.5 (MANE Select); coding-DNA position 403, G replaced by A.
Protein change: p.Gly135Arg; replaces glycine 135 with arginine.
Molecular consequence: missense variant. On other transcripts: nonsense (1).
Genome position (GRCh38, 1-based): chr11:19,186,227, C>T on the plus strand (G>A on the coding strand, the complement: CSRP3 is on the minus strand). VCF-style: chr11-19186227-C-T. GRCh37 (hg19) VCF-style: chr11-19207774-C-T.
Other names: c.403G>A (NM_003476.3); c.234G>A, p.Trp78Ter (NM_001369404.1); short protein forms W78*, G135R.
Identifiers: ClinVar variation 1438074 (VCV001438074.7), dbSNP rs1850522271, ClinGen allele CA379887845.
Genomic context (GRCh38, chr11:19,186,227, plus strand): 5'-GCCTGGTGGAGATGAGCAAATTCTGTCTGGCTCATACAGAAGGTCTTACCTTGCCACCTC[C>T]CATAACCTTCTCAGCAGCATAGACTGACTTGCCACATCGAGGGCACTTCTCGGACTCTCC-3'
Protein context (NP_003467.1, residues 125-145): KSVYAAEKVM[Gly135Arg]GGKPWHKTCF